The following is an entry in ClinVar:

ClinVar aggregate classification (germline): Uncertain significance (1 of 4 stars; one submission).

Submission:

GeneDx
Classification: Uncertain significance. Last evaluated: 2025-04-29. Review status: criteria provided, single submitter. Criteria: GeneDx Variant Classification Process June 2021. Collection method: clinical testing. Allele origin: germline. Affected: yes.
Comment: Not observed at significant frequency in large population cohorts (gnomAD); In silico analysis supports that this missense variant has a deleterious effect on protein structure/function; Has not been previously published as pathogenic or benign to our knowledge

NM_003238.6(TGFB2):c.985G>T (p.Asp329Tyr)

Gene: TGFB2 (transforming growth factor beta 2; plus strand). Cytogenetic location: 1q41.
Variant type: single nucleotide variant.
Coding change: c.985G>T on transcript NM_003238.6 (MANE Select); coding-DNA position 985, G replaced by T.
Protein change: p.Asp329Tyr; replaces aspartic acid 329 with tyrosine.
Molecular consequence: missense variant. On other transcripts: non-coding transcript variant (2).
Genome position (GRCh38, 1-based): chr1:218,437,395, G>T. VCF-style: chr1-218437395-G-T. GRCh37 (hg19) VCF-style: chr1-218610737-G-T.
Other names: c.1069G>T, p.Asp357Tyr (NM_001135599.4); short protein forms D329Y, D357Y.
Identifiers: ClinVar variation 4527811 (VCV004527811.1).